The following is an entry in ClinVar:

ClinVar aggregate classification (germline): Uncertain significance. Review status: criteria provided, multiple submitters, no conflicts (2 of 4 stars). 5 submissions from 5 submitters: Uncertain significance (5). Last evaluated 2026-01-31.

Conditions:
Hereditary cancer-predisposing syndrome. Also called: Hereditary neoplastic syndrome; Hereditary Cancer Syndrome; Tumor predisposition; Neoplastic Syndromes, Hereditary. Identifiers: Orphanet 140162, MedGen C0027672, MeSH D009386, MONDO:0015356.
Hereditary nonpolyposis colon cancer (HNPCC). Also called: Hereditary Nonpolyposis Colorectal Cancer Syndrome; Hereditary nonpolyposis colorectal cancer; Familial nonpolyposis colon cancer. Identifiers: Orphanet 443909, MedGen C1333990, MONDO:0018630. Disease mechanism: loss of function.

Allele frequency attached by ClinVar (database versions not stated): gnomAD 0.00001; TOPMed 0.00001.
gnomAD v4.1: 1 of 1,613,594 alleles (0.000062%); highest among the groups gnomAD compares: East Asian, 0.0022%; no homozygotes.

Submissions (5):

Labcorp Genetics (formerly Invitae), Labcorp
Classification: Uncertain significance. Last evaluated: 2026-01-31. Review status: criteria provided, single submitter. Criteria: Invitae Variant Classification Sherloc (09022015). Collection method: clinical testing. Allele origin: germline.
Comment: This sequence change replaces aspartic acid, which is acidic and polar, with glycine, which is neutral and non-polar, at codon 200 of the CTNNA1 protein (p.Asp200Gly). This variant is not present in population databases (gnomAD no frequency). This missense change has been observed in individual(s) with inherited retinal dystrophy (internal data). ClinVar contains an entry for this variant (Variation ID: 654619). Invitae Evidence Modeling of protein sequence and biophysical properties (such as structural, functional, and spatial information, amino acid conservation, physicochemical variation, residue mobility, and thermodynamic stability) has been performed for this missense variant. However, the output from this modeling did not meet the statistical confidence thresholds required to predict the impact of this variant on CTNNA1 protein function. In summary, the available evidence is currently insufficient to determine the role of this variant in disease. Therefore, it has been classified as a Variant of Uncertain Significance.

Ambry Genetics
Classification: Uncertain significance for Hereditary cancer-predisposing syndrome. Last evaluated: 2025-04-04. Review status: criteria provided, single submitter. Criteria: Ambry Variant Classification Scheme 2023. Collection method: clinical testing. Allele origin: germline.
Comment: The p.D200G variant (also known as c.599A>G), located in coding exon 5 of the CTNNA1 gene, results from an A to G substitution at nucleotide position 599. The aspartic acid at codon 200 is replaced by glycine, an amino acid with similar properties. This amino acid position is highly conserved in available vertebrate species. In addition, this alteration is predicted to be deleterious by in silico analysis. Based on the available evidence, the clinical significance of this variant remains unclear.

GeneDx
Classification: Uncertain significance. Last evaluated: 2024-11-22. Review status: criteria provided, single submitter. Criteria: GeneDx Variant Classification Process June 2021. Collection method: clinical testing. Allele origin: germline. Affected: yes.
Comment: Observed in individuals referred for hereditary cancer multi-gene panel testing (PMID: 32051609); Not observed at significant frequency in large population cohorts (gnomAD); In silico analysis supports that this missense variant has a deleterious effect on protein structure/function; This variant is associated with the following publications: (PMID: 32051609)

Department of Pathology and Laboratory Medicine, Sinai Health System
Classification: Uncertain significance for hereditary nonpolyposis colon cancer. Last evaluated: 2024-11-07. Review status: criteria provided, single submitter. Criteria: ACMG Guidelines, 2015. Collection method: clinical testing. Allele origin: germline.

Blueprint Genetics
Classification: Uncertain significance. Last evaluated: 2019-02-22. Review status: criteria provided, single submitter. Criteria: ACMG Guidelines, 2015. Collection method: clinical testing. Allele origin: germline.

NM_001903.5(CTNNA1):c.599A>G (p.Asp200Gly)

Gene: CTNNA1 (catenin alpha 1; plus strand). Cytogenetic location: 5q31.2.
Variant type: single nucleotide variant.
Coding change: c.599A>G on transcript NM_001903.5 (MANE Select); coding-DNA position 599, A replaced by G.
Protein change: p.Asp200Gly; replaces aspartic acid 200 with glycine.
Molecular consequence: missense variant.
Genome position (GRCh38, 1-based): chr5:138,824,540, A>G. VCF-style: chr5-138824540-A-G. GRCh37 (hg19) VCF-style: chr5-138160229-A-G.
Other names: c.599A>G, p.Asp200Gly (NM_001290307.3, NM_001323982.2, NM_001323983.1 and 3 more transcripts); c.290A>G, p.Asp97Gly (NM_001290309.3); c.230A>G, p.Asp77Gly (NM_001290310.3); short protein forms D200G, D97G, D77G.
Identifiers: ClinVar variation 654619 (VCV000654619.19), dbSNP rs900896772, ClinGen allele CA128228909.